The following is an entry in ClinVar:

ClinVar aggregate classification (germline): Conflicting classifications of pathogenicity. Review status: criteria provided, conflicting classifications (1 of 4 stars). 6 submissions from 6 submitters: Uncertain significance (4); Likely benign (2). Last evaluated 2026-07-01.

Conditions:
Spastic paraplegia. Identifiers: MedGen C0037772, HP:0001258.
Charlevoix-Saguenay spastic ataxia (SACS). Also called: SPASTIC ATAXIA 6, AUTOSOMAL RECESSIVE; Spastic ataxia of Charlevoix-Saguenay; AUTOSOMAL RECESSIVE SPASTIC ATAXIA OF CHARLEVOIX-SAGUENAY. Identifiers: Orphanet 98, MedGen C1849140, MONDO:0010041, OMIM 270550.

Allele frequency attached by ClinVar (database versions not stated): ExAC 0.00009; gnomAD 0.00011 and 0.00012; gnomAD exomes 0.00012 and 0.00014; TOPMed 0.00014; ESP Exome Variant Server 0.00015.
gnomAD v4.1: 219 of 1,613,964 alleles (0.014%); highest among the groups gnomAD compares: Non-Finnish European, 0.017%; 1 homozygote.

Submissions (6):

CeGaT Center for Human Genetics Tuebingen
Classification: Likely benign. Last evaluated: 2026-07-01. Review status: criteria provided, single submitter. Criteria: CeGaT Center For Human Genetics Tuebingen Variant Classification Criteria Version 2. Collection method: clinical testing. Allele origin: germline. Affected: yes. Observed: 2 variant alleles.
Comment: SACS: BP4

Labcorp Genetics (formerly Invitae), Labcorp
Classification: Likely benign for Spastic paraplegia. Last evaluated: 2026-01-13. Review status: criteria provided, single submitter. Criteria: Invitae Variant Classification Sherloc (09022015). Collection method: clinical testing. Allele origin: germline.

Women's Health and Genetics/Laboratory Corporation of America, LabCorp
Classification: Uncertain significance. Last evaluated: 2025-05-05. Review status: criteria provided, single submitter. Criteria: LabCorp Variant Classification Summary - May 2015. Collection method: clinical testing. Allele origin: germline.
Comment: Variant summary: SACS c.2294A>G (p.Tyr765Cys) results in a non-conservative amino acid change in the encoded protein sequence. Algorithms developed to predict the effect of missense changes on protein structure and function are either unavailable or do not agree on the potential impact of this missense change. The variant allele was found at a frequency of 0.00012 in 250402 control chromosomes. This frequency is not significantly higher than estimated for a pathogenic variant in SACS causing Charlevoix-Saguenay spastic ataxia, allowing no conclusion about variant significance. To our knowledge, no occurrence of c.2294A>G in individuals affected with Charlevoix-Saguenay spastic ataxia and no experimental evidence demonstrating its impact on protein function have been reported. ClinVar contains an entry for this variant (Variation ID: 568238). Based on the evidence outlined above, the variant was classified as uncertain significance.

Athena Diagnostics
Classification: Uncertain significance. Last evaluated: 2024-04-29. Review status: criteria provided, single submitter. Criteria: Athena Diagnostics Criteria. Collection method: clinical testing. Allele origin: unknown.
Comment: Available data are insufficient to determine the clinical significance of the variant at this time. The frequency of this variant in the general population is uninformative in assessment of its pathogenicity. Polyphen and MutationTaster predict this amino acid change may be benign.

Genome-Nilou Lab
Classification: Uncertain significance for Charlevoix-Saguenay spastic ataxia. Last evaluated: 2021-09-05. Review status: criteria provided, single submitter. Criteria: ACMG Guidelines, 2015. Collection method: clinical testing. Allele origin: germline. Affected: no.

GeneDx
Classification: Uncertain significance. Last evaluated: 2019-11-01. Review status: criteria provided, single submitter. Criteria: GeneDx Variant Classification Process June 2021. Collection method: clinical testing. Allele origin: germline. Affected: yes.
Comment: Not observed at a significant frequency in large population cohorts (Lek et al., 2016); In silico analysis, which includes protein predictors and evolutionary conservation, supports that this variant does not alter protein structure/function; Has not been previously published as pathogenic or benign to our knowledge

Literature cited by the submitters: PubMed 23280630 (cited by Athena Diagnostics).

NM_014363.6(SACS):c.2294A>G (p.Tyr765Cys)

Gene: SACS (sacsin molecular chaperone; minus strand). Cytogenetic location: 13q12.12.
Variant type: single nucleotide variant.
Coding change: c.2294A>G on transcript NM_014363.6 (MANE Select); coding-DNA position 2294, A replaced by G.
Protein change: p.Tyr765Cys; replaces tyrosine 765 with cysteine.
Molecular consequence: missense variant.
Genome position (GRCh38, 1-based): chr13:23,341,582, T>C on the plus strand (A>G on the coding strand, the complement: SACS is on the minus strand). VCF-style: chr13-23341582-T-C. GRCh37 (hg19) VCF-style: chr13-23915721-T-C.
Other names: c.1853A>G, p.Tyr618Cys (NM_001278055.2); short protein forms Y765C, Y618C.
Identifiers: ClinVar variation 568238 (VCV000568238.19), dbSNP rs141553858, ClinGen allele CA6911710.